The following is an entry in ClinVar:

ClinVar aggregate classification (germline): Pathogenic. Review status: criteria provided, multiple submitters, no conflicts (2 of 4 stars). 13 submissions from 13 submitters: Pathogenic (10). 3 of the submissions do not count toward it. Last evaluated 2025-05-27.

Conditions:
Premature ovarian failure 11 (POF11). Identifiers: MedGen C4310783, MONDO:0014843, OMIM 616946.
Age related macular degeneration 5. Identifiers: MedGen C3151063, MONDO:0013409, OMIM 613761.
Lung cancer. Also called: Lung cancer, somatic; Malignant tumor of lung. Identifiers: MedGen C0242379, MONDO:0008903, OMIM 211980.
UV-sensitive syndrome 1 (UVSS1). Identifiers: Orphanet 178338, MedGen C3551173, MONDO:0010909, OMIM 600630.
Cockayne syndrome type 2 (CSB). Also called: Cockayne Syndrome, Type II; COCKAYNE SYNDROME B. Identifiers: Orphanet 191, Orphanet 90322, MedGen C0751038, MONDO:0019570, OMIM 133540.
Cerebrooculofacioskeletal syndrome 1 (COFS1). Also called: Cerebro-oculo-facio-skeletal syndrome 1. Identifiers: MedGen C0220722, MONDO:0008955, OMIM 214150.
DE SANCTIS-CACCHIONE SYNDROME. Identifiers: MedGen C0265201, MONDO:0010217, OMIM 278800.
ERCC6-related disorder. Also called: ERCC6-related condition; ERCC6-related disorders. Identifiers: MedGen CN239385.
Inborn genetic diseases. Identifiers: MedGen C0950123, MeSH D030342.

Allele frequency attached by ClinVar (database versions not stated): gnomAD 0.00009 and 0.00025; gnomAD exomes 0.00014; 1000 Genomes Project 0.00020; ExAC 0.00006; 1000 Genomes Project 30x 0.00016.
gnomAD v4.1: 147 of 1,614,122 alleles (0.0091%); highest among the groups gnomAD compares: Non-Finnish European, 0.0053%; no homozygotes.

Submissions (13):

GeneDx
Classification: Pathogenic. Last evaluated: 2025-05-27. Review status: criteria provided, single submitter. Criteria: GeneDx Variant Classification Process June 2021. Collection method: clinical testing. Allele origin: germline.
Comment: Nonsense variant predicted to result in protein truncation or nonsense mediated decay in a gene for which loss of function is a known mechanism of disease; This variant is associated with the following publications: (PMID: 25525159, 19894250, 32453336, 29572252, 27004399, 23311583, 20456449, 34695666)

Blueprint Genetics
Classification: Pathogenic for ERCC6-related disorders. Last evaluated: 2024-09-12. Review status: criteria provided, single submitter. Criteria: ACMG Guidelines, 2015. Collection method: clinical testing. Allele origin: germline. Affected: yes. Observed: 5 variant alleles.

Labcorp Genetics (formerly Invitae), Labcorp
Classification: Pathogenic. Last evaluated: 2024-01-02. Review status: criteria provided, single submitter. Criteria: Invitae Variant Classification Sherloc (09022015). Collection method: clinical testing. Allele origin: germline.
Comment: This sequence change creates a premature translational stop signal (p.Arg1288*) in the ERCC6 gene. It is expected to result in an absent or disrupted protein product. Loss-of-function variants in ERCC6 are known to be pathogenic (PMID: 18628313, 29572252). This variant is present in population databases (rs185142838, gnomAD 0.1%). This premature translational stop signal has been observed in individuals with clinical features of Cockayne and Cerebrooculofacioskeletal syndrome (PMID: 19894250, 20456449, 29572252). It has also been observed to segregate with disease in related individuals. ClinVar contains an entry for this variant (Variation ID: 31578). For these reasons, this variant has been classified as Pathogenic.

Genetics and Genomic Medicine Centre, NeuroGen Healthcare, NeuroGen Healthcare
Classification: Pathogenic for Cerebrooculofacioskeletal syndrome 1. Last evaluated: 2022-03-31. Review status: criteria provided, single submitter. Criteria: Submitter's publication. Collection method: clinical testing. Allele origin: unknown. Affected: no.

Baylor Genetics
Classification: Pathogenic for Cerebrooculofacioskeletal syndrome 1. Last evaluated: 2020-06-09. Review status: criteria provided, single submitter. Criteria: ACMG Guidelines, 2015. Collection method: clinical testing. Allele origin: unknown. Affected: yes.
Comment: This variant was determined to be pathogenic according to ACMG Guidelines, 2015 [PMID:25741868].

Genomic Research Center, Shahid Beheshti University of Medical Sciences
Classification: Pathogenic for Cockayne syndrome B. Last evaluated: 2019-01-01. Review status: criteria provided, single submitter. Criteria: ACMG Guidelines, 2015. Collection method: clinical testing. Allele origin: inherited. Affected: yes. Observed: 1 variant allele.

Eurofins Ntd Llc (ga)
Classification: Pathogenic. Last evaluated: 2018-05-23. Review status: criteria provided, single submitter. Criteria: EGL ClinVar v180209 classification definitions. Collection method: clinical testing. Allele origin: germline. Observed: 1 variant allele, 1 heterozygote.

Ambry Genetics
Classification: Pathogenic for Inborn genetic diseases. Last evaluated: 2017-07-03. Review status: criteria provided, single submitter. Criteria: Ambry exome assertion method (8-5-2015). Collection method: clinical testing. Allele origin: germline. Affected: yes. Observed: 1 variant allele.

Juno Genomics, Hangzhou Juno Genomics, Inc
Classification: Pathogenic for DE SANCTIS-CACCHIONE SYNDROME; Lung cancer; Age related macular degeneration 5; Cerebrooculofacioskeletal syndrome 1; Cockayne syndrome type 2; Premature ovarian failure 11; UV-sensitive syndrome 1. Review status: criteria provided, single submitter. Criteria: ACMG Guidelines, 2015. Collection method: clinical testing. Allele origin: germline.
Comment: Null variant in a gene where loss of function (LOF) is a known mechanism of disease.;Absent from controls (or at extremely low frequency if recessive) in Genome Aggregation Database.;For recessive disorders, detected in trans with a pathogenic variant.;Co-segregation with disease in multiple affected family members.

Kariminejad - Najmabadi Pathology & Genetics Center
Classification: Pathogenic for Cockayne syndrome type 2. Review status: criteria provided, single submitter. Criteria: ACMG Guidelines, 2015. Collection method: clinical testing. Allele origin: germline. Affected: no.

Counsyl
Classification: Pathogenic for Cockayne syndrome type 2; Cerebrooculofacioskeletal syndrome 1; DE SANCTIS-CACCHIONE SYNDROME. Last evaluated: 2017-11-30. Review status: no assertion criteria provided. Collection method: clinical testing. Allele origin: unknown. Not counted in ClinVar's aggregate classification.

OMIM
Classification: Pathogenic for CEREBROOCULOFACIOSKELETAL SYNDROME 1. Last evaluated: 2010-12-01. Review status: no assertion criteria provided. Collection method: literature only. Allele origin: germline. Not counted in ClinVar's aggregate classification.

Service de Génétique Moléculaire, Hôpital Robert Debré
Classification: Pathogenic for Cockayne syndrome type 2. Review status: no assertion criteria provided. Collection method: clinical testing. Allele origin: unknown. Affected: yes. Not counted in ClinVar's aggregate classification.

Literature cited by the submitters: PubMed 18628313 (cited by Labcorp Genetics (formerly Invitae), Labcorp); PubMed 29572252 (cited by Labcorp Genetics (formerly Invitae), Labcorp); PubMed 19894250 (cited by 3 submitters); PubMed 20456449 (cited by 3 submitters); PubMed 23311583 (cited by Ambry Genetics); PubMed 23428416 (cited by Ambry Genetics); PubMed 27004399 (cited by Counsyl); PubMed 7063265 (cited by OMIM).

NM_000124.4(ERCC6):c.3862C>T (p.Arg1288Ter)

Gene: ERCC6 (ERCC excision repair 6, chromatin remodeling factor; minus strand). Cytogenetic location: 10q11.23.
Variant type: single nucleotide variant.
Coding change: c.3862C>T on transcript NM_000124.4 (MANE Select); coding-DNA position 3862, C replaced by T.
Protein change: p.Arg1288Ter; replaces arginine 1288 with a stop codon.
Molecular consequence: nonsense.
Genome position (GRCh38, 1-based): chr10:49,461,473, G>A on the plus strand (C>T on the coding strand, the complement: ERCC6 is on the minus strand). VCF-style: chr10-49461473-G-A. GRCh37 (hg19) VCF-style: chr10-50669519-G-A.
Other names: c.3862C>T, p.Arg1288Ter (NM_001346440.2); short protein forms R1288*.
Identifiers: ClinVar variation 31578 (VCV000031578.27), dbSNP rs185142838, ClinGen allele CA129817.